The following is an entry in ClinVar:

ClinVar aggregate classification (germline): Uncertain significance (1 of 4 stars; one submission).

Conditions:
Emery-Dreifuss muscular dystrophy 5, autosomal dominant (EDMD5). Also called: EMERY-DREIFUSS MUSCULAR DYSTROPHY 5. Identifiers: Orphanet 261, MedGen C2751805, MONDO:0013072, OMIM 612999.

Submission:

Labcorp Genetics (formerly Invitae), Labcorp
Classification: Uncertain significance for Emery-Dreifuss muscular dystrophy 5, autosomal dominant. Last evaluated: 2023-08-08. Review status: criteria provided, single submitter. Criteria: Invitae Variant Classification Sherloc (09022015). Collection method: clinical testing. Allele origin: germline.
Comment: This variant is not present in population databases (gnomAD no frequency). This variant has not been reported in the literature in individuals affected with SYNE2-related conditions. Algorithms developed to predict the effect of missense changes on protein structure and function output the following: SIFT: "Not Available"; PolyPhen-2: "Benign"; Align-GVGD: "Not Available". The valine amino acid residue is found in multiple mammalian species, which suggests that this missense change does not adversely affect protein function. In summary, the available evidence is currently insufficient to determine the role of this variant in disease. Therefore, it has been classified as a Variant of Uncertain Significance. This sequence change replaces glutamic acid, which is acidic and polar, with valine, which is neutral and non-polar, at codon 2604 of the SYNE2 protein (p.Glu2604Val).

NM_182914.3(SYNE2):c.7811A>T (p.Glu2604Val)

Gene: SYNE2 (spectrin repeat containing nuclear envelope protein 2; plus strand). Cytogenetic location: 14q23.2.
Variant type: single nucleotide variant.
Coding change: c.7811A>T on transcript NM_182914.3 (MANE Select); coding-DNA position 7811, A replaced by T.
Protein change: p.Glu2604Val; replaces glutamic acid 2604 with valine.
Molecular consequence: missense variant.
Genome position (GRCh38, 1-based): chr14:64,051,724, A>T. VCF-style: chr14-64051724-A-T. GRCh37 (hg19) VCF-style: chr14-64518442-A-T.
Other names: c.7811A>T, p.Glu2604Val (NM_015180.6); short protein forms E2604V.
Identifiers: ClinVar variation 2910878 (VCV002910878.3), dbSNP rs2548316092, ClinGen allele CA389961532.
Genomic context (GRCh38, chr14:64,051,724, plus strand): 5'-TATCAAACCACGTGACTGACATGGATAAGAAATTGTTGGAAAGCCAGATTAAGCAACTTG[A>T]ACATGGTTGGGAACAAGTGGAACAGCAGATTCAAAAGAAGTATTCTCAGCAGGTAGTGGA-3'
Protein context (NP_878918.2, residues 2594-2614): KLLESQIKQL[Glu2604Val]HGWEQVEQQI